The following is an entry in ClinVar:

ClinVar aggregate classification (germline): Conflicting classifications of pathogenicity. Review status: criteria provided, conflicting classifications (1 of 4 stars). 3 submissions from 3 submitters: Uncertain significance (2); Likely benign (1). Last evaluated 2025-10-18.

Conditions:
COL11A1-related disorder. Also called: COL11A1-related condition; COL11A1-related disorders.

Allele frequency attached by ClinVar (database versions not stated): gnomAD exomes 0.00001.

Submissions (3):

Labcorp Genetics (formerly Invitae), Labcorp
Classification: Uncertain significance. Last evaluated: 2025-10-18. Review status: criteria provided, single submitter. Criteria: Invitae Variant Classification Sherloc (09022015). Collection method: clinical testing. Allele origin: germline.
Comment: This sequence change replaces proline, which is neutral and non-polar, with leucine, which is neutral and non-polar, at codon 726 of the COL11A1 protein (p.Pro726Leu). This variant is not present in population databases (gnomAD no frequency). This variant has not been reported in the literature in individuals affected with COL11A1-related conditions. ClinVar contains an entry for this variant (Variation ID: 2629128). Invitae Evidence Modeling of protein sequence and biophysical properties (such as structural, functional, and spatial information, amino acid conservation, physicochemical variation, residue mobility, and thermodynamic stability) indicates that this missense variant is not expected to disrupt COL11A1 protein function with a negative predictive value of 80%. In summary, the available evidence is currently insufficient to determine the role of this variant in disease. Therefore, it has been classified as a Variant of Uncertain Significance.

PreventionGenetics, part of Exact Sciences
Classification: Uncertain significance for COL11A1-related condition. Last evaluated: 2025-08-28. Review status: criteria provided, single submitter. Criteria: ACMG Guidelines, 2015. Collection method: clinical testing. Allele origin: germline.
Comment: The COL11A1 c.2177C>T variant is predicted to result in the amino acid substitution p.Pro726Leu. To our knowledge, this variant has not been reported in the literature or in a large population database gnomAD, indicating this variant is rare. At this time, the clinical significance of this variant is uncertain due to the absence of conclusive functional and genetic evidence.

Blueprint Genetics
Classification: Likely benign. Last evaluated: 2020-07-15. Review status: criteria provided, single submitter. Criteria: ACMG Guidelines, 2015. Collection method: clinical testing. Allele origin: germline.

NM_001854.4(COL11A1):c.2177C>T (p.Pro726Leu)

Gene: COL11A1 (collagen type XI alpha 1 chain; minus strand). Cytogenetic location: 1p21.1.
Variant type: single nucleotide variant.
Coding change: c.2177C>T on transcript NM_001854.4 (MANE Select); coding-DNA position 2177, C replaced by T.
Protein change: p.Pro726Leu; replaces proline 726 with leucine.
Molecular consequence: missense variant. On other transcripts: non-coding transcript variant (1).
Genome position (GRCh38, 1-based): chr1:102,998,329, G>A on the plus strand (C>T on the coding strand, the complement: COL11A1 is on the minus strand). VCF-style: chr1-102998329-G-A. GRCh37 (hg19) VCF-style: chr1-103463885-G-A.
Other names: c.1829C>T, p.Pro610Leu (NM_001168249.1, NM_080630.4); c.2060C>T, p.Pro687Leu (NM_001190709.2); c.2213C>T, p.Pro738Leu (NM_080629.3); short protein forms P610L, P687L, P726L, P738L.
Identifiers: ClinVar variation 2629128 (VCV002629128.6), dbSNP rs754981424, ClinGen allele CA27724674.